The following is an entry in ClinVar:

NM_003242.6(TGFBR2):c.638G>C (p.Ser213Thr)

Gene: TGFBR2 (transforming growth factor beta receptor 2; plus strand). Cytogenetic location: 3p24.1.
Variant type: single nucleotide variant.
Coding change: c.638G>C on transcript NM_003242.6 (MANE Select); coding-DNA position 638, G replaced by C.
Protein change: p.Ser213Thr; replaces serine 213 with threonine.
Molecular consequence: missense variant. On other transcripts: intron variant (1).
Genome position (GRCh38, 1-based): chr3:30,671,821, G>C. VCF-style: chr3-30671821-G-C. GRCh37 (hg19) VCF-style: chr3-30713313-G-C.
Other names: c.713G>C, p.Ser238Thr (NM_001024847.3); c.821G>C, p.Ser274Thr (NM_001407126.1); c.746G>C, p.Ser249Thr (NM_001407127.1); c.665G>C, p.Ser222Thr (NM_001407128.1); c.641G>C, p.Ser214Thr (NM_001407129.1); c.638G>C, p.Ser213Thr (NM_001407130.1); c.533G>C, p.Ser178Thr (NM_001407132.1, NM_001407133.1, NM_001407134.1 and 2 more transcripts); c.353G>C, p.Ser118Thr (NM_001407137.1); and 2 more; short protein forms S178T, S93T, S222T, S213T, S238T, S118T, S214T, S249T.
Identifiers: ClinVar variation 3968097 (VCV003968097.1).

ClinVar aggregate classification (germline): Uncertain significance (1 of 4 stars; one submission).

Conditions:
Familial thoracic aortic aneurysm and aortic dissection (TAAD). Also called: Thoracic aortic aneurysms and dissections. Identifiers: Orphanet 91387, MedGen C4707243, MONDO:0019625.

Submission:

Ambry Genetics
Classification: Uncertain significance for Familial thoracic aortic aneurysm and aortic dissection. Last evaluated: 2025-06-01. Review status: criteria provided, single submitter. Criteria: Ambry Variant Classification Scheme 2023. Collection method: clinical testing. Allele origin: germline.
Comment: The p.S213T variant (also known as c.638G>C), located in coding exon 4 of the TGFBR2 gene, results from a G to C substitution at nucleotide position 638. The serine at codon 213 is replaced by threonine, an amino acid with similar properties. This amino acid position is conserved. In addition, the in silico prediction for this alteration is inconclusive. Based on the available evidence, the clinical significance of this variant remains unclear.